The following is an entry in ClinVar:

NM_000245.4(MET):c.911G>A (p.Arg304Lys)

Gene: MET (MET proto-oncogene, receptor tyrosine kinase; plus strand). Cytogenetic location: 7q31.2.
Variant type: single nucleotide variant.
Coding change: c.911G>A on transcript NM_000245.4 (MANE Select); coding-DNA position 911, G replaced by A.
Protein change: p.Arg304Lys; replaces arginine 304 with lysine.
Molecular consequence: missense variant. On other transcripts: intron variant (1).
Genome position (GRCh38, 1-based): chr7:116,699,995, G>A. VCF-style: chr7-116699995-G-A. GRCh37 (hg19) VCF-style: chr7-116340049-G-A.
Other names: c.911G>A, p.Arg304Lys (NM_001127500.3, NM_001324401.3); c.-91+27418G>A (NM_001324402.2); short protein forms R304K.
Identifiers: ClinVar variation 2963202 (VCV002963202.3), dbSNP rs1254719560, ClinGen allele CA368970127.

ClinVar aggregate classification (germline): Uncertain significance. Review status: criteria provided, multiple submitters, no conflicts (2 of 4 stars). 2 submissions from 2 submitters: Uncertain significance (2). Last evaluated 2025-12-17.

Conditions:
Hereditary cancer-predisposing syndrome. Also called: Tumor predisposition; Neoplastic Syndromes, Hereditary; Hereditary Cancer Syndrome; Hereditary neoplastic syndrome. Identifiers: Orphanet 140162, MedGen C0027672, MeSH D009386, MONDO:0015356.
Renal cell carcinoma. Identifiers: Orphanet 217071, MedGen C0007134, MeSH D002292, MONDO:0005086, HP:0005584.

Submissions (2):

Ambry Genetics
Classification: Uncertain significance for Hereditary cancer-predisposing syndrome. Last evaluated: 2025-12-17. Review status: criteria provided, single submitter. Criteria: Ambry Variant Classification Scheme 2023. Collection method: clinical testing. Allele origin: germline.
Comment: The p.R304K variant (also known as c.911G>A), located in coding exon 1 of the MET gene, results from a G to A substitution at nucleotide position 911. The arginine at codon 304 is replaced by lysine, an amino acid with highly similar properties. This amino acid position is highly conserved in available vertebrate species. In addition, this alteration is predicted to be tolerated by in silico analysis. Based on the available evidence, the clinical significance of this variant remains unclear.

Labcorp Genetics (formerly Invitae), Labcorp
Classification: Uncertain significance for Renal cell carcinoma. Last evaluated: 2024-04-04. Review status: criteria provided, single submitter. Criteria: Invitae Variant Classification Sherloc (09022015). Collection method: clinical testing. Allele origin: germline.
Comment: This sequence change replaces arginine, which is basic and polar, with lysine, which is basic and polar, at codon 304 of the MET protein (p.Arg304Lys). This variant is present in population databases (no rsID available, gnomAD 0.0009%). This variant has not been reported in the literature in individuals affected with MET-related conditions. Advanced modeling of protein sequence and biophysical properties (such as structural, functional, and spatial information, amino acid conservation, physicochemical variation, residue mobility, and thermodynamic stability) performed at Invitae indicates that this missense variant is expected to disrupt MET protein function with a positive predictive value of 80%. In summary, the available evidence is currently insufficient to determine the role of this variant in disease. Therefore, it has been classified as a Variant of Uncertain Significance.